The following is an entry in ClinVar:

ClinVar aggregate classification (germline): Uncertain significance (1 of 4 stars; one submission).

Allele frequency attached by ClinVar (database versions not stated): gnomAD 0.00119; 1000 Genomes Project 30x 0.00156; 1000 Genomes Project 0.00180; TOPMed 0.00190.
gnomAD v4.1: 184 of 152,350 alleles (0.12%); highest among the groups gnomAD compares: Middle Eastern, 0.34%; 1 homozygote.

Submission:

CeGaT Center for Human Genetics Tuebingen
Classification: Uncertain significance. Last evaluated: 2023-11-01. Review status: criteria provided, single submitter. Criteria: CeGaT Center For Human Genetics Tuebingen Variant Classification Criteria Version 2. Collection method: clinical testing. Allele origin: germline. Affected: yes. Observed: 1 variant allele.
Comment: ARMC9: PM2, BP4

NM_001352754.2(ARMC9):c.1551+193C>T

Gene: ARMC9 (armadillo repeat containing 9; plus strand). Cytogenetic location: 2q37.1.
Variant type: single nucleotide variant.
Coding change: c.1551+193C>T on transcript NM_001352754.2 (MANE Select); 193 bases into the intron after coding-DNA position 1551, C replaced by T.
Molecular consequence: intron variant.
Genome position (GRCh38, 1-based): chr2:231,278,651, C>T. VCF-style: chr2-231278651-C-T. GRCh37 (hg19) VCF-style: chr2-232143364-C-T.
Other names: c.1551+193C>T (NM_001271466.4, NM_001352755.2, NM_001352756.2 and 3 more transcripts); c.1452+193C>T (NM_001352757.2, NM_001352758.2).
Identifiers: ClinVar variation 2672866 (VCV002672866.23), dbSNP rs189448466, ClinGen allele CA66825905.